The following is an entry in ClinVar:

NM_000553.6(WRN):c.2772del (p.Ala925fs)

Gene: WRN (WRN RecQ like helicase; plus strand). Cytogenetic location: 8p12.
Variant type: Deletion.
Coding change: c.2772del on transcript NM_000553.6 (MANE Select); coding-DNA position 2772, one base deleted (A; older notation c.2772delA).
Protein change: p.Ala925fs; shifts the reading frame from alanine 925.
Molecular consequence: frameshift variant.
Genome position (GRCh38, 1-based): chr8:31,124,947, A deleted; the last of 5 consecutive A bases (chr8:31,124,943-31,124,947); deleting any one gives the same sequence. VCF-style (leftmost placement, unchanged base first): chr8-31124942-CA-C. GRCh37 (hg19) VCF-style: chr8-30982458-CA-C.
Other names: short protein forms A925fs.
Identifiers: ClinVar variation 2735154 (VCV002735154.3), dbSNP rs2535996014, ClinGen allele CA2695209187.
Genomic context (GRCh38, chr8:31,124,942, plus strand): 5'-TTAATTTAAAATTTTGTCTTGGGTAGAATCATCTTGTCTCATTTTGAGGACAAACAAGTA[CA>C]AAAAGCCTCCTTGGGAATTATGGGAACTGAAAAATGCTGTGATAATTGCAGGTCCAGGTA-3'

ClinVar aggregate classification (germline): Pathogenic (1 of 4 stars; one submission).

Conditions:
Werner syndrome (WRN). Identifiers: Orphanet 902, MedGen C0043119, MONDO:0010196, OMIM 277700.

Submission:

Labcorp Genetics (formerly Invitae), Labcorp
Classification: Pathogenic for Werner syndrome. Last evaluated: 2022-12-19. Review status: criteria provided, single submitter. Criteria: Invitae Variant Classification Sherloc (09022015). Collection method: clinical testing. Allele origin: germline.
Comment: For these reasons, this variant has been classified as Pathogenic. This sequence change creates a premature translational stop signal (p.Ala925Profs*49) in the WRN gene. It is expected to result in an absent or disrupted protein product. Loss-of-function variants in WRN are known to be pathogenic (PMID: 16673358). This variant is not present in population databases (gnomAD no frequency). This premature translational stop signal has been observed in individual(s) with Werner syndrome (PMID: 27667302).

Literature cited by the submitters: PubMed 16673358; PubMed 27667302.